The following is an entry in ClinVar:

NM_000520.6(HEXA):c.462C>A (p.Phe154Leu)

Gene: HEXA (hexosaminidase subunit alpha; minus strand). Cytogenetic location: 15q23.
Variant type: single nucleotide variant.
Coding change: c.462C>A on transcript NM_000520.6 (MANE Select); coding-DNA position 462, C replaced by A.
Protein change: p.Phe154Leu; replaces phenylalanine 154 with leucine.
Molecular consequence: missense variant. On other transcripts: non-coding transcript variant (1).
Genome position (GRCh38, 1-based): chr15:72,353,176, G>T on the plus strand (C>A on the coding strand, the complement: HEXA is on the minus strand). VCF-style: chr15-72353176-G-T. GRCh37 (hg19) VCF-style: chr15-72645517-G-T.
Other names: c.495C>A, p.Phe165Leu (NM_001318825.2); short protein forms F165L, F154L.
Identifiers: ClinVar variation 1448659 (VCV001448659.5), dbSNP rs1272644968, ClinGen allele CA393065256.

ClinVar aggregate classification (germline): Uncertain significance (1 of 4 stars; one submission).

Conditions:
Tay-Sachs disease (TSD). Also called: HEXA DEFICIENCY; GM2 gangliosidosis, type 1; Hexosaminidase alpha-subunit deficiency (variant B); Sphingolipidosis, Tay-Sachs; HEXA Disorders; Hexosaminidase A Deficiency. Identifiers: Orphanet 845, MedGen C0039373, MONDO:0010100, OMIM 272800.

Allele frequency attached by ClinVar (database versions not stated): gnomAD exomes below 0.00001; TOPMed below 0.00001.
gnomAD v4.1: 3 of 1,567,044 alleles (0.00019%); highest among the groups gnomAD compares: African/African-American, 0.0027%; no homozygotes.

Submission:

Labcorp Genetics (formerly Invitae), Labcorp
Classification: Uncertain significance for Tay-Sachs disease. Last evaluated: 2022-07-26. Review status: criteria provided, single submitter. Criteria: Invitae Variant Classification Sherloc (09022015). Collection method: clinical testing. Allele origin: germline.
Comment: This sequence change replaces phenylalanine, which is neutral and non-polar, with leucine, which is neutral and non-polar, at codon 154 of the HEXA protein (p.Phe154Leu). The frequency data for this variant in the population databases is considered unreliable, as metrics indicate poor data quality at this position in the gnomAD database. This variant has not been reported in the literature in individuals affected with HEXA-related conditions. ClinVar contains an entry for this variant (Variation ID: 1448659). Algorithms developed to predict the effect of missense changes on protein structure and function (SIFT, PolyPhen-2, Align-GVGD) all suggest that this variant is likely to be tolerated. In summary, the available evidence is currently insufficient to determine the role of this variant in disease. Therefore, it has been classified as a Variant of Uncertain Significance.